The following is an entry in ClinVar:

ClinVar aggregate classification (germline): Uncertain significance. Review status: criteria provided, multiple submitters, no conflicts (2 of 4 stars). 2 submissions from 2 submitters: Uncertain significance (2). Last evaluated 2025-10-30.

Conditions:
Hereditary cancer-predisposing syndrome. Also called: Neoplastic Syndromes, Hereditary; Tumor predisposition; Hereditary Cancer Syndrome; Hereditary neoplastic syndrome. Identifiers: Orphanet 140162, MedGen C0027672, MeSH D009386, MONDO:0015356.

Submissions (2):

Labcorp Genetics (formerly Invitae), Labcorp
Classification: Uncertain significance. Last evaluated: 2025-10-30. Review status: criteria provided, single submitter. Criteria: Invitae Variant Classification Sherloc (09022015). Collection method: clinical testing. Allele origin: germline.
Comment: This sequence change replaces leucine, which is neutral and non-polar, with proline, which is neutral and non-polar, at codon 2097 of the POLE protein (p.Leu2097Pro). This variant is not present in population databases (gnomAD no frequency). This variant has not been reported in the literature in individuals affected with POLE-related conditions. ClinVar contains an entry for this variant (Variation ID: 473791). Invitae Evidence Modeling of protein sequence and biophysical properties (such as structural, functional, and spatial information, amino acid conservation, physicochemical variation, residue mobility, and thermodynamic stability) indicates that this missense variant is not expected to disrupt POLE protein function with a negative predictive value of 80%. In summary, the available evidence is currently insufficient to determine the role of this variant in disease. Therefore, it has been classified as a Variant of Uncertain Significance.

Ambry Genetics
Classification: Uncertain significance for Hereditary cancer-predisposing syndrome. Last evaluated: 2024-03-02. Review status: criteria provided, single submitter. Criteria: Ambry Variant Classification Scheme 2023. Collection method: clinical testing. Allele origin: germline.
Comment: The p.L2097P variant (also known as c.6290T>C), located in coding exon 45 of the POLE gene, results from a T to C substitution at nucleotide position 6290. The leucine at codon 2097 is replaced by proline, an amino acid with similar properties. This amino acid position is conserved. In addition, the in silico prediction for this alteration is inconclusive. Since supporting evidence is limited at this time, the clinical significance of this alteration remains unclear.

NM_006231.4(POLE):c.6290T>C (p.Leu2097Pro)

Gene: POLE (DNA polymerase epsilon, catalytic subunit; minus strand). Cytogenetic location: 12q24.33.
Variant type: single nucleotide variant.
Coding change: c.6290T>C on transcript NM_006231.4 (MANE Select); coding-DNA position 6290, T replaced by C.
Protein change: p.Leu2097Pro; replaces leucine 2097 with proline.
Molecular consequence: missense variant.
Genome position (GRCh38, 1-based): chr12:132,632,355, A>G on the plus strand (T>C on the coding strand, the complement: POLE is on the minus strand). VCF-style: chr12-132632355-A-G. GRCh37 (hg19) VCF-style: chr12-133208941-A-G.
Other names: short protein forms L2097P.
Identifiers: ClinVar variation 473791 (VCV000473791.11), dbSNP rs932532496, ClinGen allele CA246292661.